The following is an entry in ClinVar:

ClinVar aggregate classification (germline): Likely benign. Review status: criteria provided, multiple submitters, no conflicts (2 of 4 stars). 3 submissions from 3 submitters: Likely benign (3). Last evaluated 2024-04-13.

Conditions:
Supravalvar aortic stenosis (SVAS). Also called: Supravalvar aortic stenosis, Eisenberg type. Identifiers: Orphanet 3193, MedGen C0003499, MONDO:0008504, OMIM 185500, HP:0004381.

Allele frequency attached by ClinVar (database versions not stated): ExAC 0.00002; gnomAD 0.00003 and 0.00004; TOPMed 0.00003; gnomAD exomes 0.00007.
gnomAD v4.1: 36 of 1,613,996 alleles (0.0022%); highest among the groups gnomAD compares: Admixed American, 0.06%; no homozygotes.

Submissions (3):

Labcorp Genetics (formerly Invitae), Labcorp
Classification: Likely benign for Supravalvar aortic stenosis. Last evaluated: 2024-04-13. Review status: criteria provided, single submitter. Criteria: Invitae Variant Classification Sherloc (09022015). Collection method: clinical testing. Allele origin: germline.

GeneDx
Classification: Likely benign. Last evaluated: 2016-02-02. Review status: criteria provided, single submitter. Criteria: GeneDx Variant Classification (06012015). Collection method: clinical testing. Allele origin: germline. Affected: yes.
Comment: This variant is considered likely benign or benign based on one or more of the following criteria: it is a conservative change, it occurs at a poorly conserved position in the protein, it is predicted to be benign by multiple in silico algorithms, and/or has population frequency not consistent with disease.

Breakthrough Genomics
Classification: Likely benign. Review status: criteria provided, single submitter. Criteria: ACMG Guidelines, 2015. Collection method: not provided. Allele origin: germline. Inheritance: Autosomal dominant inheritance. Affected: yes.

NM_000501.4(ELN):c.528G>A (p.Lys176=)

Gene: ELN (elastin; plus strand). Cytogenetic location: 7q11.23.
Variant type: single nucleotide variant.
Coding change: c.528G>A on transcript NM_000501.4 (MANE Select); coding-DNA position 528, G replaced by A.
Protein change: p.Lys176=; no amino-acid change (lysine 176 retained).
Molecular consequence: synonymous variant. On other transcripts: intron variant (1).
Genome position (GRCh38, 1-based): chr7:74,045,280, G>A. VCF-style: chr7-74045280-G-A. GRCh37 (hg19) VCF-style: chr7-73459610-G-A.
Other names: c.498G>A, p.Lys166= (NM_001081752.3, NM_001278917.2); c.492G>A, p.Lys164= (NM_001278913.2); c.513G>A, p.Lys171= (NM_001278914.2); c.528G>A, p.Lys176= (NM_001278912.2, NM_001081755.3, NM_001278915.2 and 2 more transcripts); c.543G>A, p.Lys181= (NM_001081754.3, NM_001081753.3); c.439+1360G>A (NM_001278918.2).
Identifiers: ClinVar variation 383751 (VCV000383751.11), dbSNP rs782412839, ClinGen allele CA4292532.
Genomic context (GRCh38, chr7:74,045,280, plus strand): 5'-AGGAGCTCGGTTCCCCGGTGTGGGGGTGCTCCCTGGAGTTCCCACTGGAGCAGGAGTTAA[G>A]CCCAAGGCTCCAGGTATGCAGCTGTCTGGACAGAGGGCTGATGGCAGGGACTCTCCAACC-3'
Protein context (NP_000492.2, residues 166-186): LPGVPTGAGV[Lys176=]PKAPGVGGAF